The following is an entry in ClinVar:

NM_005660.3(SLC35A2):c.652G>A (p.Val218Ile)

Gene: SLC35A2 (solute carrier family 35 member A2; minus strand). Cytogenetic location: Xp11.23.
Variant type: single nucleotide variant.
Coding change: c.652G>A on transcript NM_005660.3 (MANE Select); coding-DNA position 652, G replaced by A.
Protein change: p.Val218Ile; replaces valine 218 with isoleucine.
Molecular consequence: missense variant. On other transcripts: intron variant (3).
Genome position (GRCh38, 1-based): chrX:48,905,257, C>T on the plus strand (G>A on the coding strand, the complement: SLC35A2 is on the minus strand). VCF-style: chrX-48905257-C-T. GRCh37 (hg19) VCF-style: chrX-48762534-C-T.
Other names: c.652G>A (NM_001042498.2); c.652G>A, p.Val218Ile (NM_001042498.3); c.469G>A, p.Val157Ile (NM_001282649.2); c.691G>A, p.Val231Ile (NM_001282650.2); c.736G>A, p.Val246Ile (NM_001282651.2); c.427-365G>A (NM_001282647.2, NM_001032289.3); c.355-365G>A (NM_001282648.2); short protein forms V157I, V218I, V231I, V246I.
Identifiers: ClinVar variation 2660486 (VCV002660486.30), dbSNP rs2519646196, ClinGen allele CA412895516.

ClinVar aggregate classification (germline): Uncertain significance. Review status: criteria provided, multiple submitters, no conflicts (2 of 4 stars). 5 submissions from 5 submitters: Uncertain significance (5). Last evaluated 2025-08-09.

Conditions:
SLC35A2-congenital disorder of glycosylation. Also called: DEVELOPMENTAL AND EPILEPTIC ENCEPHALOPATHY 22; SLC35A2-CDG; CONGENITAL DISORDER OF GLYCOSYLATION, TYPE IIm; CDG IIm; CONGENITAL DISORDER OF GLYCOSYLATION, TYPE IIm, SOMATIC MOSAIC; EPILEPTIC ENCEPHALOPATHY, EARLY INFANTILE, 22. Identifiers: Orphanet 356961, MedGen C3806688, MONDO:0010478, OMIM 300896.
Inborn genetic diseases. Identifiers: MedGen C0950123, MeSH D030342.

Allele frequency attached by ClinVar (database versions not stated): gnomAD exomes below 0.00001.
gnomAD v4.1: 5 of 1,202,498 alleles (0.00042%); highest among the groups gnomAD compares: Non-Finnish European, 0.00056%; no homozygotes.

Submissions (5):

Ambry Genetics
Classification: Uncertain significance for Inborn genetic diseases. Last evaluated: 2025-08-09. Review status: criteria provided, single submitter. Criteria: Ambry Variant Classification Scheme 2023. Collection method: clinical testing. Allele origin: germline.

GeneDx
Classification: Uncertain significance. Last evaluated: 2024-05-04. Review status: criteria provided, single submitter. Criteria: GeneDx Variant Classification Process June 2021. Collection method: clinical testing. Allele origin: germline. Affected: yes.
Comment: Not observed at significant frequency in large population cohorts (gnomAD); In silico analysis indicates that this missense variant does not alter protein structure/function; Has not been previously published as pathogenic or benign to our knowledge

Labcorp Genetics (formerly Invitae), Labcorp
Classification: Uncertain significance for SLC35A2-congenital disorder of glycosylation. Last evaluated: 2023-09-30. Review status: criteria provided, single submitter. Criteria: Invitae Variant Classification Sherloc (09022015). Collection method: clinical testing. Allele origin: germline.
Comment: In summary, the available evidence is currently insufficient to determine the role of this variant in disease. Therefore, it has been classified as a Variant of Uncertain Significance. Advanced modeling of protein sequence and biophysical properties (such as structural, functional, and spatial information, amino acid conservation, physicochemical variation, residue mobility, and thermodynamic stability) has been performed at Invitae for this missense variant, however the output from this modeling did not meet the statistical confidence thresholds required to predict the impact of this variant on SLC35A2 protein function. This variant has not been reported in the literature in individuals affected with SLC35A2-related conditions. This variant is not present in population databases (gnomAD no frequency). This sequence change replaces valine, which is neutral and non-polar, with isoleucine, which is neutral and non-polar, at codon 218 of the SLC35A2 protein (p.Val218Ile).

CeGaT Center for Human Genetics Tuebingen
Classification: Uncertain significance. Last evaluated: 2023-09-01. Review status: criteria provided, single submitter. Criteria: CeGaT Center For Human Genetics Tuebingen Variant Classification Criteria Version 2. Collection method: clinical testing. Allele origin: germline. Affected: yes. Observed: 1 variant allele.
Comment: SLC35A2: PM2, PM3:Supporting

Blueprint Genetics
Classification: Uncertain significance. Last evaluated: 2022-12-05. Review status: criteria provided, single submitter. Criteria: ACMG Guidelines, 2015. Collection method: clinical testing. Allele origin: germline.